The following is an entry in ClinVar:

NM_006267.5(RANBP2):c.1991T>C (p.Ile664Thr)

Gene: RANBP2 (RAN binding protein 2; plus strand). Cytogenetic location: 2q13.
Variant type: single nucleotide variant.
Coding change: c.1991T>C on transcript NM_006267.5 (MANE Select); coding-DNA position 1991, T replaced by C.
Protein change: p.Ile664Thr; replaces isoleucine 664 with threonine.
Molecular consequence: missense variant.
Genome position (GRCh38, 1-based): chr2:108,753,499, T>C. VCF-style: chr2-108753499-T-C. GRCh37 (hg19) VCF-style: chr2-109369955-T-C.
Other names: c.1991T>C, p.Ile664Thr (NM_001415871.1, NM_001415873.1); c.1988T>C, p.Ile663Thr (NM_001415872.1); short protein forms I664T, I663T.
Identifiers: ClinVar variation 2992688 (VCV002992688.3), dbSNP rs770464476, ClinGen allele CA1822503.

ClinVar aggregate classification (germline): Uncertain significance (1 of 4 stars; one submission).

Conditions:
Familial acute necrotizing encephalopathy (IIAE3). Also called: ENCEPHALOPATHY, ACUTE, INFECTION-INDUCED, SUSCEPTIBILITY TO, 3; Susceptibility to Acute Necrotizing Encephalopathy 1. Identifiers: Orphanet 88619, MedGen C2675556, MONDO:0011953, OMIM 608033.

Allele frequency attached by ClinVar (database versions not stated): TOPMed below 0.00001; ExAC 0.00001; gnomAD 0.00001; gnomAD exomes 0.00001.
gnomAD v4.1: 21 of 1,611,822 alleles (0.0013%); highest among the groups gnomAD compares: Admixed American, 0.0033%; no homozygotes.

Submission:

Labcorp Genetics (formerly Invitae), Labcorp
Classification: Uncertain significance for Familial acute necrotizing encephalopathy. Last evaluated: 2023-10-08. Review status: criteria provided, single submitter. Criteria: Invitae Variant Classification Sherloc (09022015). Collection method: clinical testing. Allele origin: germline.
Comment: This sequence change replaces isoleucine, which is neutral and non-polar, with threonine, which is neutral and polar, at codon 664 of the RANBP2 protein (p.Ile664Thr). This variant is present in population databases (rs770464476, gnomAD 0.007%). This variant has not been reported in the literature in individuals affected with RANBP2-related conditions. Algorithms developed to predict the effect of missense changes on protein structure and function output the following: SIFT: "Not Available"; PolyPhen-2: "Benign"; Align-GVGD: "Not Available". The threonine amino acid residue is found in multiple mammalian species, which suggests that this missense change does not adversely affect protein function. In summary, the available evidence is currently insufficient to determine the role of this variant in disease. Therefore, it has been classified as a Variant of Uncertain Significance.